The following is an entry in ClinVar:

NM_205850.3(SLC24A5):c.988T>C (p.Trp330Arg)

Genes: MYEF2 (myelin expression factor 2; minus strand), SLC24A5 (solute carrier family 24 member 5; plus strand). Cytogenetic location: 15q21.1.
Variant type: single nucleotide variant.
Coding change: c.988T>C on transcript NM_205850.3 (MANE Select); coding-DNA position 988, T replaced by C.
Protein change: p.Trp330Arg; replaces tryptophan 330 with arginine.
Molecular consequence: missense variant. On other transcripts: 3 prime UTR variant (2).
Genome position (GRCh38, 1-based): chr15:48,139,085, T>C. VCF-style: chr15-48139085-T-C. GRCh37 (hg19) VCF-style: chr15-48431282-T-C.
Other names: c.*3823A>G (NM_001301210.2, NM_016132.5); short protein forms W330R.
Identifiers: ClinVar variation 1424466 (VCV001424466.4), dbSNP rs200031114, ClinGen allele CA7546022.

ClinVar aggregate classification (germline): Uncertain significance (1 of 4 stars; one submission).

Allele frequency attached by ClinVar (database versions not stated): gnomAD 0.00003 and 0.00004; gnomAD exomes 0.00007 and 0.00008; TOPMed 0.00008; ExAC 0.00012.
gnomAD v4.1: 119 of 1,613,142 alleles (0.0074%); highest among the groups gnomAD compares: Non-Finnish European, 0.0098%; no homozygotes.

Submission:

Labcorp Genetics (formerly Invitae), Labcorp
Classification: Uncertain significance. Last evaluated: 2022-08-07. Review status: criteria provided, single submitter. Criteria: Invitae Variant Classification Sherloc (09022015). Collection method: clinical testing. Allele origin: germline.
Comment: This sequence change replaces tryptophan, which is neutral and slightly polar, with arginine, which is basic and polar, at codon 330 of the SLC24A5 protein (p.Trp330Arg). In summary, the available evidence is currently insufficient to determine the role of this variant in disease. Therefore, it has been classified as a Variant of Uncertain Significance. Algorithms developed to predict the effect of missense changes on protein structure and function (SIFT, PolyPhen-2, Align-GVGD) all suggest that this variant is likely to be tolerated. ClinVar contains an entry for this variant (Variation ID: 1424466). This variant has not been reported in the literature in individuals affected with SLC24A5-related conditions. This variant is present in population databases (rs200031114, gnomAD 0.01%).